The following is an entry in ClinVar:

NM_000264.5(PTCH1):c.3050T>A (p.Phe1017Tyr)

Gene: PTCH1 (patched 1; minus strand). Cytogenetic location: 9q22.32.
Variant type: single nucleotide variant.
Coding change: c.3050T>A on transcript NM_000264.5 (MANE Select); coding-DNA position 3050, T replaced by A.
Protein change: p.Phe1017Tyr; replaces phenylalanine 1017 with tyrosine.
Molecular consequence: missense variant. On other transcripts: non-coding transcript variant (1).
Genome position (GRCh38, 1-based): chr9:95,458,131, A>T on the plus strand (T>A on the coding strand, the complement: PTCH1 is on the minus strand). VCF-style: chr9-95458131-A-T. GRCh37 (hg19) VCF-style: chr9-98220413-A-T.
Other names: c.2852T>A, p.Phe951Tyr (NM_001083602.3); c.3047T>A, p.Phe1016Tyr (NM_001083603.3); c.2597T>A, p.Phe866Tyr (NM_001083604.3, NM_001083605.3, NM_001083606.3 and 1 more transcripts); c.2894T>A, p.Phe965Tyr (NM_001354918.2); short protein forms F1016Y, F1017Y, F951Y, F866Y, F965Y.
Identifiers: ClinVar variation 3939944 (VCV003939944.2).

ClinVar aggregate classification (germline): Uncertain significance (1 of 4 stars; one submission).

Conditions:
Hereditary cancer-predisposing syndrome. Also called: Hereditary Cancer Syndrome; Hereditary neoplastic syndrome; Neoplastic Syndromes, Hereditary; Tumor predisposition. Identifiers: Orphanet 140162, MedGen C0027672, MeSH D009386, MONDO:0015356.

gnomAD v4.1: 3 of 1,614,208 alleles (0.00019%); highest among the groups gnomAD compares: South Asian, 0.0033%; no homozygotes.

Submission:

Ambry Genetics
Classification: Uncertain significance for Hereditary cancer-predisposing syndrome. Last evaluated: 2026-07-30. Review status: criteria provided, single submitter. Criteria: Ambry Variant Classification Scheme 2023. Collection method: clinical testing. Allele origin: germline.
Comment: The p.F1017Y variant (also known as c.3050T>A), located in coding exon 18 of the PTCH1 gene, results from a T to A substitution at nucleotide position 3050. The phenylalanine at codon 1017 is replaced by tyrosine, an amino acid with highly similar properties. This amino acid position is conserved. In addition, this alteration is predicted to be deleterious by in silico analysis. Based on the available evidence, the clinical significance of this variant remains unclear.